The following is an entry in ClinVar:

NM_005732.4(RAD50):c.1494A>C (p.Glu498Asp)

Gene: RAD50 (RAD50 double strand break repair protein; plus strand). Cytogenetic location: 5q31.1.
Variant type: single nucleotide variant.
Coding change: c.1494A>C on transcript NM_005732.4 (MANE Select); coding-DNA position 1494, A replaced by C.
Protein change: p.Glu498Asp; replaces glutamic acid 498 with aspartic acid.
Molecular consequence: missense variant.
Genome position (GRCh38, 1-based): chr5:132,591,265, A>C. VCF-style: chr5-132591265-A-C. GRCh37 (hg19) VCF-style: chr5-131926957-A-C.
Other names: short protein forms E498D.
Identifiers: ClinVar variation 233005 (VCV000233005.5), dbSNP rs876660127, ClinGen allele CA10578532.

ClinVar aggregate classification (germline): Uncertain significance (1 of 4 stars; one submission).

Conditions:
Hereditary cancer-predisposing syndrome. Also called: Neoplastic Syndromes, Hereditary; Tumor predisposition; Hereditary Cancer Syndrome; Hereditary neoplastic syndrome. Identifiers: Orphanet 140162, MedGen C0027672, MeSH D009386, MONDO:0015356.

Submission:

Ambry Genetics
Classification: Uncertain significance for Hereditary cancer-predisposing syndrome. Last evaluated: 2015-07-20. Review status: criteria provided, single submitter. Criteria: Ambry Variant Classification Scheme 2023. Collection method: clinical testing. Allele origin: germline.
Comment: The p.E498D variant (also known as c.1494A>C), located in coding exon 10 of the RAD50 gene, results from an A to C substitution at nucleotide position 1494. The glutamic acid at codon 498 is replaced by aspartic acid, an amino acid with highly similar properties. This variant was not reported in population based cohorts in the following databases: Database of Single Nucleotide Polymorphisms (dbSNP), NHLBI Exome Sequencing Project (ESP), and 1000 Genomes Project. In the ESP, this variant was not observed in 6503 samples (13006 alleles) with coverage at this position. To date, this alteration has been detected with an allele frequency of approximately 0.002% (greater than 65000 alleles tested) in our clinical cohort. This amino acid position is not well conserved in available vertebrate species. In addition, this alteration is predicted to be tolerated by in silico analysis. Since supporting evidence is limited at this time, the clinical significance of this variant remains unclear.